The following is an entry in ClinVar:

NM_001167.4(XIAP):c.61G>A (p.Glu21Lys)

Gene: XIAP (X-linked inhibitor of apoptosis; plus strand). Cytogenetic location: Xq25.
Variant type: single nucleotide variant.
Coding change: c.61G>A on transcript NM_001167.4 (MANE Select); coding-DNA position 61, G replaced by A.
Protein change: p.Glu21Lys; replaces glutamic acid 21 with lysine.
Molecular consequence: missense variant.
Genome position (GRCh38, 1-based): chrX:123,885,723, G>A. VCF-style: chrX-123885723-G-A. GRCh37 (hg19) VCF-style: chrX-123019573-G-A.
Other names: c.61G>A, p.Glu21Lys (NM_001204401.2, NM_001378590.1, NM_001378591.1 and 1 more transcripts); short protein forms E21K.
Identifiers: ClinVar variation 2870796 (VCV002870796.3), dbSNP rs770762804, ClinGen allele CA10507989.

ClinVar aggregate classification (germline): Uncertain significance (1 of 4 stars; one submission).

Conditions:
X-linked lymphoproliferative disease due to XIAP deficiency. Also called: XIAP-Related Lymphoproliferative Disease, X-Linked; XIAP DEFICIENCY. Identifiers: Orphanet 2442, Orphanet 538934, MedGen C1845076, MONDO:0010385, OMIM 300635.

Allele frequency attached by ClinVar (database versions not stated): ExAC 0.00001; gnomAD exomes 0.00001.
gnomAD v4.1: 3 of 1,211,158 alleles (0.00025%); highest among the groups gnomAD compares: African/African-American, 0.0052%; no homozygotes.

Submission:

Labcorp Genetics (formerly Invitae), Labcorp
Classification: Uncertain significance for X-linked lymphoproliferative disease due to XIAP deficiency. Last evaluated: 2023-09-05. Review status: criteria provided, single submitter. Criteria: Invitae Variant Classification Sherloc (09022015). Collection method: clinical testing. Allele origin: germline.
Comment: Advanced modeling of protein sequence and biophysical properties (such as structural, functional, and spatial information, amino acid conservation, physicochemical variation, residue mobility, and thermodynamic stability) performed at Invitae indicates that this missense variant is not expected to disrupt XIAP protein function. In summary, the available evidence is currently insufficient to determine the role of this variant in disease. Therefore, it has been classified as a Variant of Uncertain Significance. This variant has not been reported in the literature in individuals affected with XIAP-related conditions. This sequence change replaces glutamic acid, which is acidic and polar, with lysine, which is basic and polar, at codon 21 of the XIAP protein (p.Glu21Lys). This variant is present in population databases (rs770762804, gnomAD 0.008%), including at least one homozygous and/or hemizygous individual.